The following is an entry in ClinVar:

NM_005458.8(GABBR2):c.11C>A (p.Pro4Gln)

Gene: GABBR2 (gamma-aminobutyric acid type B receptor subunit 2; minus strand). Cytogenetic location: 9q22.33.
Variant type: single nucleotide variant.
Coding change: c.11C>A on transcript NM_005458.8 (MANE Select); coding-DNA position 11, C replaced by A.
Protein change: p.Pro4Gln; replaces proline 4 with glutamine.
Molecular consequence: missense variant.
Genome position (GRCh38, 1-based): chr9:98,708,727, G>T on the plus strand (C>A on the coding strand, the complement: GABBR2 is on the minus strand). VCF-style: chr9-98708727-G-T. GRCh37 (hg19) VCF-style: chr9-101471009-G-T.
Other names: short protein forms P4Q.
Identifiers: ClinVar variation 1514327 (VCV001514327.8), dbSNP rs1830938515, ClinGen allele CA374213009.

ClinVar aggregate classification (germline): Uncertain significance (1 of 4 stars; one submission).

Conditions:
Epileptic encephalopathy. Identifiers: MedGen C0543888, HP:0200134.

Submission:

Labcorp Genetics (formerly Invitae), Labcorp
Classification: Uncertain significance for Epileptic encephalopathy. Last evaluated: 2021-04-23. Review status: criteria provided, single submitter. Criteria: Invitae Variant Classification Sherloc (09022015). Collection method: clinical testing. Allele origin: germline.
Comment: Algorithms developed to predict the effect of missense changes on protein structure and function are either unavailable or do not agree on the potential impact of this missense change (SIFT: "Tolerated"; PolyPhen-2: "Not Available"; Align-GVGD: "Class C0"). This variant has not been reported in the literature in individuals with GABBR2-related conditions. The frequency data for this variant in the population databases is considered unreliable, as metrics indicate insufficient coverage at this position in the ExAC database. This sequence change replaces proline with glutamine at codon 4 of the GABBR2 protein (p.Pro4Gln). The proline residue is weakly conserved and there is a moderate physicochemical difference between proline and glutamine. Algorithms developed to predict the effect of sequence changes on RNA splicing suggest that this variant may create or strengthen a splice site, but this prediction has not been confirmed by published transcriptional studies. In summary, the available evidence is currently insufficient to determine the role of this variant in disease. Therefore, it has been classified as a Variant of Uncertain Significance.